The following is an entry in ClinVar:

NM_014989.7(RIMS1):c.1243_1257dup (p.Ala419_Ser420insAlaAlaAlaArgAla)

Gene: RIMS1 (regulating synaptic membrane exocytosis 1; plus strand). Cytogenetic location: 6q13.
Variant type: Duplication.
Coding change: c.1243_1257dup on transcript NM_014989.7 (MANE Select); coding-DNA positions 1243 to 1257, 15 bases duplicated (GCGGCAGCCAGGGCC).
Protein change: p.Ala419_Ser420insAlaAlaAlaArgAla.
Molecular consequence: inframe insertion.
Genome position (GRCh38, 1-based): chr6:72,182,714-72,182,728, GCGGCAGCCAGGGCC duplicated. VCF-style (leftmost placement, unchanged base first): chr6-72182713-G-GGCGGCAGCCAGGGCC. GRCh37 (hg19) VCF-style: chr6-72892416-G-GGCGGCAGCCAGGGCC.
Identifiers: ClinVar variation 2724248 (VCV002724248.4), dbSNP rs2048543339, ClinGen allele CA1637580508.

ClinVar aggregate classification (germline): Uncertain significance. Review status: criteria provided, multiple submitters, no conflicts (2 of 4 stars). 2 submissions from 2 submitters: Uncertain significance (2). Last evaluated 2023-10-05.

Allele frequency attached by ClinVar (database versions not stated): gnomAD exomes 0.00001.

Submissions (2):

Labcorp Genetics (formerly Invitae), Labcorp
Classification: Uncertain significance. Last evaluated: 2023-10-05. Review status: criteria provided, single submitter. Criteria: Invitae Variant Classification Sherloc (09022015). Collection method: clinical testing. Allele origin: germline.
Comment: This variant, c.1243_1257dup, results in the insertion of 5 amino acid(s) of the RIMS1 protein (p.Ala415_Ala419dup), but otherwise preserves the integrity of the reading frame. This variant is not present in population databases (gnomAD no frequency). This variant has not been reported in the literature in individuals affected with RIMS1-related conditions. In summary, the available evidence is currently insufficient to determine the role of this variant in disease. Therefore, it has been classified as a Variant of Uncertain Significance.

Blueprint Genetics
Classification: Uncertain significance. Last evaluated: 2022-09-12. Review status: criteria provided, single submitter. Criteria: ACMG Guidelines, 2015. Collection method: clinical testing. Allele origin: germline.